The following is an entry in ClinVar:

ClinVar aggregate classification (germline): Uncertain significance (1 of 4 stars; one submission).

Conditions:
OTOG-related disorder. Also called: OTOG-related condition.

gnomAD v4.1: 4 of 1,490,598 alleles (0.00027%); highest among the groups gnomAD compares: Admixed American, 0.0093%; no homozygotes.

Submission:

PreventionGenetics, part of Exact Sciences
Classification: Uncertain significance for OTOG-related condition. Last evaluated: 2025-03-15. Review status: criteria provided, single submitter. Criteria: ACMG Guidelines, 2015. Collection method: clinical testing. Allele origin: germline.
Comment: The OTOG c.4402G>T variant is predicted to result in the amino acid substitution p.Ala1468Ser. To our knowledge, this variant has not been reported in the literature. This variant is reported in 0.0058% of alleles in individuals of Latino descent in gnomAD. At this time, the clinical significance of this variant is uncertain due to the absence of conclusive functional and genetic evidence.

NM_001292063.2(OTOG):c.4366G>T (p.Ala1456Ser)

Gene: OTOG (otogelin; plus strand). Cytogenetic location: 11p15.1.
Variant type: single nucleotide variant.
Coding change: c.4366G>T on transcript NM_001292063.2 (MANE Select); coding-DNA position 4366, G replaced by T.
Protein change: p.Ala1456Ser; replaces alanine 1456 with serine.
Molecular consequence: missense variant.
Genome position (GRCh38, 1-based): chr11:17,609,666, G>T. VCF-style: chr11-17609666-G-T. GRCh37 (hg19) VCF-style: chr11-17631213-G-T.
Other names: c.4402G>T, p.Ala1468Ser (NM_001277269.2); short protein forms A1456S, A1468S.
Identifiers: ClinVar variation 4989474 (VCV004989474.1).